The following is an entry in ClinVar:

ClinVar aggregate classification (germline): Likely benign. Review status: reviewed by expert panel (3 of 4 stars). 4 submissions from 4 submitters: Likely benign (1). 3 of the submissions do not count toward it. Last evaluated 2023-08-02.

Conditions:
Hereditary cancer-predisposing syndrome. Also called: Tumor predisposition; Hereditary Cancer Syndrome; Hereditary neoplastic syndrome; Neoplastic Syndromes, Hereditary. Identifiers: Orphanet 140162, MedGen C0027672, MeSH D009386, MONDO:0015356.
CDH1-related diffuse gastric and lobular breast cancer syndrome. Also called: CDH1-related diffuse gastric and lobular breast cancer. Identifiers: MedGen CN311521, MONDO:0100488.
Hereditary diffuse gastric adenocarcinoma (HDGC). Also called: DIFFUSE GASTRIC AND LOBULAR BREAST CANCER SYNDROME. Identifiers: Orphanet 26106, MedGen C1708349, MONDO:0007648, OMIM 137215.

Allele frequency attached by ClinVar (database versions not stated): gnomAD exomes below 0.00001.
gnomAD v4.1: 1 of 1,614,138 alleles (0.000062%); highest among the groups gnomAD compares: Non-Finnish European, 0.000085%; no homozygotes.

Submissions (4):

Clingen Gastric Cancer Variant Curation Expert Panel
Classification: Likely benign for CDH1-related diffuse gastric and lobular breast cancer syndrome. Last evaluated: 2023-08-02. Review status: reviewed by expert panel. Criteria: ClinGen CDH1 ACMG Specifications V3.1. Collection method: curation. Allele origin: germline. Inheritance: Autosomal dominant inheritance.
Comment: The c.297G>A variant (NM_004360.5) is a synonymous (silent) variant (p.Leu99=) that is not predicted by SpliceAI, SSF, MaxEnt to impact splicing (BP4, BP7). In addition, it occurs at a nucleotide that is not conserved as shown by phastCons and (BP7). This variant has been observed in more than 3 heterozygous individuals with no GC, DGC, SRC tumors and whose families do not suggest HDGC (BS2; Invitae, Ambry). The variant is 1 out of 251,334 alleles (less than 1 out of 100,000) in gnomAD 2.1.1 cohort (PM2_Supporting). In summary, this variant meets criteria to be classified as likely benign for DGLBCS based on ACMG/AMP criteria applied as specified by the CDH1 Variant Curation Expert Panel: BS2_Supporting, BP4, BP7, PM2_Supporting. The CDH1 VCEP classified the variant with conflicting criteria to likely benign based on Bayesian points calculation. (CDH1 VCEP specifications version 3.1; 05/06/2022)

Labcorp Genetics (formerly Invitae), Labcorp
Classification: Likely benign for Hereditary diffuse gastric adenocarcinoma. Last evaluated: 2025-06-09. Review status: criteria provided, single submitter. Criteria: Invitae Variant Classification Sherloc (09022015). Collection method: clinical testing. Allele origin: germline. Not counted in ClinVar's aggregate classification.

Myriad Genetics, Inc.
Classification: Benign for Hereditary diffuse gastric adenocarcinoma. Last evaluated: 2024-09-12. Review status: criteria provided, single submitter. Criteria: Myriad Autosomal Dominant, Autosomal Recessive and X-Linked Classification Criteria (2023). Collection method: clinical testing. Allele origin: unknown. Not counted in ClinVar's aggregate classification.
Comment: This variant is considered benign. This variant is a silent/synonymous amino acid change and it is not expected to impact splicing.

Ambry Genetics
Classification: Likely benign for Hereditary cancer-predisposing syndrome. Last evaluated: 2015-08-06. Review status: criteria provided, single submitter. Criteria: Ambry Variant Classification Scheme 2023. Collection method: clinical testing. Allele origin: germline. Not counted in ClinVar's aggregate classification.

NM_004360.5(CDH1):c.297G>A (p.Leu99=)

Gene: CDH1 (cadherin 1; plus strand). Cytogenetic location: 16q22.1.
Variant type: single nucleotide variant.
Coding change: c.297G>A on transcript NM_004360.5 (MANE Select); coding-DNA position 297, G replaced by A.
Protein change: p.Leu99=; no amino-acid change (leucine 99 retained).
Molecular consequence: synonymous variant. On other transcripts: 5 prime UTR variant (2).
Genome position (GRCh38, 1-based): chr16:68,801,803, G>A. VCF-style: chr16-68801803-G-A. GRCh37 (hg19) VCF-style: chr16-68835706-G-A.
Other names: NM_004360.5(CDH1):c.297G>A; p.Leu99=; c.297G>A, p.Leu99= (NM_001317184.2); c.-1319G>A (NM_001317185.2); c.-1523G>A (NM_001317186.2); c.297G>A (LRG_301t1).
Identifiers: ClinVar variation 233145 (VCV000233145.13), dbSNP rs876660223, ClinGen allele CA10580080.